The following is an entry in ClinVar:

ClinVar aggregate classification (germline): Uncertain significance. Review status: criteria provided, multiple submitters, no conflicts (2 of 4 stars). 2 submissions from 2 submitters: Uncertain significance (2). Last evaluated 2025-12-10.

Submissions (2):

ARUP Laboratories, Molecular Genetics and Genomics, ARUP Laboratories
Classification: Uncertain significance. Last evaluated: 2025-12-10. Review status: criteria provided, single submitter. Criteria: ARUP Molecular Germline Variant Investigation Process 2024. Collection method: clinical testing. Allele origin: germline.

GeneDx
Classification: Uncertain significance. Last evaluated: 2025-03-18. Review status: criteria provided, single submitter. Criteria: GeneDx Variant Classification Process June 2021. Collection method: clinical testing. Allele origin: germline. Affected: yes.
Comment: Protein modelling and molecular dynamic studies suggest no structural or dynamic effects for this variant, however additional studies are needed to validate the functional effect of this variant in vivo (PMID: 32193685); Not observed at significant frequency in large population cohorts (gnomAD); In silico analysis supports that this missense variant has a deleterious effect on protein structure/function; This variant is associated with the following publications: (PMID: 39415678, 32193685)

NM_006265.3(RAD21):c.1064C>T (p.Pro355Leu)

Gene: RAD21 (RAD21 cohesin complex component; minus strand). Cytogenetic location: 8q24.11.
Variant type: single nucleotide variant.
Coding change: c.1064C>T on transcript NM_006265.3 (MANE Select); coding-DNA position 1064, C replaced by T.
Protein change: p.Pro355Leu; replaces proline 355 with leucine.
Molecular consequence: missense variant.
Genome position (GRCh38, 1-based): chr8:116,854,342, G>A on the plus strand (C>T on the coding strand, the complement: RAD21 is on the minus strand). VCF-style: chr8-116854342-G-A. GRCh37 (hg19) VCF-style: chr8-117866581-G-A.
Other names: short protein forms P355L.
Identifiers: ClinVar variation 391238 (VCV000391238.4), dbSNP rs1057524012, ClinGen allele CA16605431.
Genomic context (GRCh38, chr8:116,854,342, plus strand): 5'-AAAGAAAACAGTTTTTCTACTCCTCCTGTCTCTTTCCACATCATCAATTTCTTGGTGGGC[G>A]GTGCCAGATCCAAAGTAGTAACAATATCTGAATAATCACTAAGTTGGGCTCTAATTGTCT-3'
Protein context (NP_006256.1, residues 345-365): SDIVTTLDLA[Pro355Leu]PTKKLMMWKE